The following is an entry in ClinVar:

ClinVar aggregate classification (germline): Likely benign (1 of 4 stars; one submission).

Allele frequency attached by ClinVar (database versions not stated): gnomAD exomes below 0.00001.
gnomAD v4.1: 3 of 1,613,934 alleles (0.00019%); highest among the groups gnomAD compares: South Asian, 0.0011%; no homozygotes.

Submission:

CeGaT Center for Human Genetics Tuebingen
Classification: Likely benign. Last evaluated: 2022-05-01. Review status: criteria provided, single submitter. Criteria: CeGaT Center For Human Genetics Tuebingen Variant Classification Criteria Version 2. Collection method: clinical testing. Allele origin: germline. Affected: yes. Observed: 1 variant allele.
Comment: TTC16: PM2:Supporting, BP4, BP7

NM_144965.3(TTC16):c.369A>G (p.Ser123=)

Gene: TTC16 (tetratricopeptide repeat domain 16; plus strand). Cytogenetic location: 9q34.11.
Variant type: single nucleotide variant.
Coding change: c.369A>G on transcript NM_144965.3 (MANE Select); coding-DNA position 369, A replaced by G.
Protein change: p.Ser123=; no amino-acid change (serine 123 retained).
Molecular consequence: synonymous variant.
Genome position (GRCh38, 1-based): chr9:127,717,715, A>G. VCF-style: chr9-127717715-A-G. GRCh37 (hg19) VCF-style: chr9-130479994-A-G.
Other names: c.330A>G, p.Ser110= (NM_001317037.2).
Identifiers: ClinVar variation 2659511 (VCV002659511.24), dbSNP rs2538763678, ClinGen allele CA467240797.